The following is an entry in ClinVar:

ClinVar aggregate classification (germline): Likely pathogenic (1 of 4 stars; one submission).

Submission:

GeneDx
Classification: Likely pathogenic. Last evaluated: 2013-06-17. Review status: criteria provided, single submitter. Criteria: GeneDx Variant Classification (06012015). Collection method: clinical testing. Allele origin: germline. Affected: yes.
Comment: p.Ile273Asn (ATC>AAC): c.818 T>A in exon 6 of the KCNQ2 gene (NM_172107.2)The Ile273Asn variant, likely mutation, in the KCNQ2 gene has not been published as a mutation, nor has it been reported as a benign polymorphism to our knowledge. It was not observed in approximately 6,500 individuals of European and African American ancestry in the NHLBI Exome Sequencing Project, indicating it is not a common benign variant in these populations. Ile273Asn is a non-conservative change of a non-polar Isoleucine residue to a polar Asparagine residue. It alters a conserved position in the pore loop between the fifth and sixth transmembrane domains of the KCNQ2 protein where many other missense mutation have been reported. Multiple in silico algorithms predict Ile273Asn may be damaging to protein structure/function. Additionally, at the nucleotide level, c.818 T>A alters the second nucleotide of exon 6 and multiple in silico algorithms predict that it weakens or possibly destroys the splice acceptor site leading to abnormal splicing; however, RNA/functional studies have not been performed to determine the actual effect of the c.818 T>A sequence change in vivo. Therefore, currently available information suggests that Ile273Asn is a strong candidate for a disease-causing mutation, although the possibility that it is a benign variant cannot be excluded. The variant is found in INFANT-EPI panel(s).

NM_172107.4(KCNQ2):c.818T>A (p.Ile273Asn)

Gene: KCNQ2 (potassium voltage-gated channel subfamily Q member 2; minus strand). Cytogenetic location: 20q13.33.
Variant type: single nucleotide variant.
Coding change: c.818T>A on transcript NM_172107.4 (MANE Select); coding-DNA position 818, T replaced by A.
Protein change: p.Ile273Asn; replaces isoleucine 273 with asparagine.
Molecular consequence: missense variant.
Genome position (GRCh38, 1-based): chr20:63,439,707, A>T on the plus strand (T>A on the coding strand, the complement: KCNQ2 is on the minus strand). VCF-style: chr20-63439707-A-T. GRCh37 (hg19) VCF-style: chr20-62071060-A-T.
Other names: p.I273N:ATC>AAC; c.818T>A, p.Ile273Asn (NM_004518.6, NM_172106.3, NM_172108.5 and 1 more transcripts); short protein forms I273N.
Identifiers: ClinVar variation 205883 (VCV000205883.2), dbSNP rs796052635, ClinGen allele CA315402.